The following is an entry in ClinVar:

NM_032638.5(GATA2):c.233G>A (p.Arg78His)

Gene: GATA2 (GATA binding protein 2; minus strand). Cytogenetic location: 3q21.3.
Variant type: single nucleotide variant.
Coding change: c.233G>A on transcript NM_032638.5 (MANE Select); coding-DNA position 233, G replaced by A.
Protein change: p.Arg78His; replaces arginine 78 with histidine.
Molecular consequence: missense variant.
Genome position (GRCh38, 1-based): chr3:128,486,365, C>T on the plus strand (G>A on the coding strand, the complement: GATA2 is on the minus strand). VCF-style: chr3-128486365-C-T. GRCh37 (hg19) VCF-style: chr3-128205208-C-T.
Other names: c.233G>A, p.Arg78His (NM_001145661.2, NM_001145662.1); short protein forms R78H.
Identifiers: ClinVar variation 4842572 (VCV004842572.1).

ClinVar aggregate classification (germline): Uncertain significance (1 of 4 stars; one submission).

Conditions:
Inborn genetic diseases. Identifiers: MedGen C0950123, MeSH D030342.

Submission:

Ambry Genetics
Classification: Uncertain significance for Inborn genetic diseases. Last evaluated: 2026-01-13. Review status: criteria provided, single submitter. Criteria: Ambry Variant Classification Scheme 2023. Collection method: clinical testing. Allele origin: germline.
Comment: The p.R78H variant (also known as c.233G>A), located in coding exon 2 of the GATA2 gene, results from a G to A substitution at nucleotide position 233. The arginine at codon 78 is replaced by histidine, an amino acid with highly similar properties. This amino acid position is conserved. In addition, the in silico prediction for this alteration is inconclusive. Based on the available evidence, the clinical significance of this variant remains unclear.